The following is an entry in ClinVar:

ClinVar aggregate classification (germline): Pathogenic. Review status: criteria provided, single submitter (1 of 4 stars). 2 submissions from 2 submitters: Pathogenic (1). 1 of the submissions does not count toward it. Last evaluated 2023-06-11.

Conditions:
AVP-related disorder. Also called: AVP-related condition.

Submissions (2):

Labcorp Genetics (formerly Invitae), Labcorp
Classification: Pathogenic. Last evaluated: 2023-06-11. Review status: criteria provided, single submitter. Criteria: Invitae Variant Classification Sherloc (09022015). Collection method: clinical testing. Allele origin: germline.
Comment: For these reasons, this variant has been classified as Pathogenic. This variant disrupts the p.Pro55 amino acid residue in AVP. Other variant(s) that disrupt this residue have been observed in individuals with AVP-related conditions (PMID: 27539621), which suggests that this may be a clinically significant amino acid residue. An algorithm developed to predict the effect of missense changes on protein structure and function (PolyPhen-2) suggests that this variant is likely to be disruptive. This missense change has been observed in individual(s) with diabetes insipidus (PMID: 8045958, 31238300; Invitae). In at least one individual the variant was observed to be de novo. It has also been observed to segregate with disease in related individuals. This variant is not present in population databases (gnomAD no frequency). This sequence change replaces proline, which is neutral and non-polar, with leucine, which is neutral and non-polar, at codon 55 of the AVP protein (p.Pro55Leu).

PreventionGenetics, part of Exact Sciences
Classification: Pathogenic for AVP-related condition. Last evaluated: 2024-02-03. Review status: no assertion criteria provided. Collection method: clinical testing. Allele origin: germline. Not counted in ClinVar's aggregate classification.
Comment: The AVP c.164C>T variant is predicted to result in the amino acid substitution p.Pro55Leu. Also known as p.Pro24Leu in the literature, this variant has been reported to be pathogenic for neurohypophyseal diabetes insipidus (de novo in Repaske and Browning. 1994. PubMed ID: 8045958; Repaske et al. 1996. PubMed ID: 8964872; Patti et al. 2019. PubMed ID: 31238300). A different substitution affecting the same amino acid (p.Pro55His) has also been reported in patients with neurohypophyseal diabetes insipidus (Hrčková et al. 2016. PubMed ID: 27539621). This variant is interpreted as pathogenic.

Literature cited by the submitters: PubMed 27539621 (cited by Labcorp Genetics (formerly Invitae), Labcorp); PubMed 8045958 (cited by Labcorp Genetics (formerly Invitae), Labcorp); PubMed 31238300 (cited by Labcorp Genetics (formerly Invitae), Labcorp).

NM_000490.5(AVP):c.164C>T (p.Pro55Leu)

Gene: AVP (arginine vasopressin; minus strand). Cytogenetic location: 20p13.
Variant type: single nucleotide variant.
Coding change: c.164C>T on transcript NM_000490.5 (MANE Select); coding-DNA position 164, C replaced by T.
Protein change: p.Pro55Leu; replaces proline 55 with leucine.
Molecular consequence: missense variant.
Genome position (GRCh38, 1-based): chr20:3,083,135, G>A on the plus strand (C>T on the coding strand, the complement: AVP is on the minus strand). VCF-style: chr20-3083135-G-A. GRCh37 (hg19) VCF-style: chr20-3063781-G-A.
Other names: short protein forms P55L.
Identifiers: ClinVar variation 2736933 (VCV002736933.5), dbSNP rs2517100494, ClinGen allele CA408061804.
Genomic context (GRCh38, chr20:3,083,135, plus strand): 5'-CAGCGCAGCGCCTCAGCCGTGCCCACGAAGCAGCCCAGCTCGTCCGCGCAGCAGATGCTG[G>A]GCCCGAAGCAGCGGCCTTTGCCCCCGGGGCCGCAGGGGAGGCACTGCGGGGACGGGCGGG-3'
Protein context (NP_000481.2, residues 45-65): GPGGKGRCFG[Pro55Leu]SICCADELGC